The following is an entry in ClinVar:

NM_003179.3(SYP):c.898T>C (p.Tyr300His)

Gene: SYP (synaptophysin; minus strand). Cytogenetic location: Xp11.23.
Variant type: single nucleotide variant.
Coding change: c.898T>C on transcript NM_003179.3 (MANE Select); coding-DNA position 898, T replaced by C.
Protein change: p.Tyr300His; replaces tyrosine 300 with histidine.
Molecular consequence: missense variant.
Genome position (GRCh38, 1-based): chrX:49,191,481, A>G on the plus strand (T>C on the coding strand, the complement: SYP is on the minus strand). VCF-style: chrX-49191481-A-G. GRCh37 (hg19) VCF-style: chrX-49047938-A-G.
Other names: short protein forms Y300H.
Identifiers: ClinVar variation 2573736 (VCV002573736.1), dbSNP rs2520581485, ClinGen allele CA412951711.

ClinVar aggregate classification (germline): Uncertain significance (1 of 4 stars; one submission).

Submission:

GeneDx
Classification: Uncertain significance. Last evaluated: 2023-01-17. Review status: criteria provided, single submitter. Criteria: GeneDx Variant Classification Process June 2021. Collection method: clinical testing. Allele origin: germline. Affected: yes.
Comment: Not observed at significant frequency in large population cohorts (gnomAD); In silico analysis supports that this missense variant does not alter protein structure/function; Has not been previously published as pathogenic or benign to our knowledge